The following is an entry in ClinVar:

ClinVar aggregate classification (germline): Uncertain significance (0 of 4 stars; one submission).

Conditions:
ASXL3-related disorder. Also called: ASXL3-related condition. Identifiers: MedGen CN381524.

gnomAD v4.1: 24 of 1,613,650 alleles (0.0015%); highest among the groups gnomAD compares: Non-Finnish European, 0.002%; no homozygotes.

Submission:

PreventionGenetics, part of Exact Sciences
Classification: Uncertain significance for ASXL3-related condition. Last evaluated: 2024-01-11. Review status: no assertion criteria provided. Collection method: clinical testing. Allele origin: germline.
Comment: The ASXL3 c.6250C>A variant is predicted to result in the amino acid substitution p.Leu2084Ile. To our knowledge, this variant has not been reported in the literature. This variant is reported in 0.00089% of alleles in individuals of European (Non-Finnish) descent in gnomAD. At this time, the clinical significance of this variant is uncertain due to the absence of conclusive functional and genetic evidence.

NM_030632.3(ASXL3):c.6250C>A (p.Leu2084Ile)

Gene: ASXL3 (ASXL transcriptional regulator 3; plus strand). Cytogenetic location: 18q12.1.
Variant type: single nucleotide variant.
Coding change: c.6250C>A on transcript NM_030632.3 (MANE Select); coding-DNA position 6250, C replaced by A.
Protein change: p.Leu2084Ile; replaces leucine 2084 with isoleucine.
Molecular consequence: missense variant.
Genome position (GRCh38, 1-based): chr18:33,746,098, C>A. VCF-style: chr18-33746098-C-A. GRCh37 (hg19) VCF-style: chr18-31326062-C-A.
Other names: short protein forms L2084I.
Identifiers: ClinVar variation 3061681 (VCV003061681.2), dbSNP rs1301266459, ClinGen allele CA402196445.